The following is an entry in ClinVar:

ClinVar aggregate classification (germline): Pathogenic/Likely pathogenic. Review status: criteria provided, multiple submitters, no conflicts (2 of 4 stars). 3 submissions from 3 submitters: Pathogenic (2); Likely pathogenic (1). Last evaluated 2025-12-31.

Conditions:
Charcot-Marie-Tooth disease type 4. Also called: Charcot-Marie-Tooth disease, type IV; Charcot-Marie-Tooth, Type 4. Identifiers: Orphanet 64749, MedGen C4082197, MONDO:0018995.
Charcot-Marie-Tooth disease type 4C (CMT4C). Also called: SH3TC2-Related Hereditary Motor and Sensory Neuropathy; CMT 4C; Charcot-Marie-Tooth Neuropathy Type 4C (CMT4C); CHARCOT-MARIE-TOOTH DISEASE, DEMYELINATING, AUTOSOMAL RECESSIVE, TYPE 4C; CHARCOT-MARIE-TOOTH DISEASE, DEMYELINATING, TYPE 4C. Identifiers: Orphanet 99949, MedGen C1866636, MONDO:0011113, OMIM 601596.
Susceptibility to mononeuropathy of the median nerve, mild. Also called: CARPAL TUNNEL SYNDROME, SUSCEPTIBILITY TO. Identifiers: MedGen C3150596, MONDO:0013237, OMIM 613353.

Submissions (3):

Labcorp Genetics (formerly Invitae), Labcorp
Classification: Pathogenic for Charcot-Marie-Tooth disease type 4. Last evaluated: 2025-12-31. Review status: criteria provided, single submitter. Criteria: Invitae Variant Classification Sherloc (09022015). Collection method: clinical testing. Allele origin: germline.
Comment: This sequence change creates a premature translational stop signal (p.Ser312Valfs*18) in the SH3TC2 gene. It is expected to result in an absent or disrupted protein product. Loss-of-function variants in SH3TC2 are known to be pathogenic (PMID: 20220177, 27068304). This variant is not present in population databases (gnomAD no frequency). This variant has not been reported in the literature in individuals affected with SH3TC2-related conditions. ClinVar contains an entry for this variant (Variation ID: 1687474). For these reasons, this variant has been classified as Pathogenic.

3billion
Classification: Pathogenic for Charcot-Marie-Tooth disease type 4C. Last evaluated: 2022-05-22. Review status: criteria provided, single submitter. Criteria: ACMG Guidelines, 2015. Collection method: clinical testing. Allele origin: germline. Affected: yes. Observed: 1 homozygote.
Comment: The variant is not observed in the gnomAD v2.1.1 dataset. Frameshift: predicted to result in a loss or disruption of normal protein function through nonsense-mediated decay (NMD) or protein truncation. Multiple pathogenic variants are reported downstream of the variant. Therefore, this variant is classified as pathogenic according to the recommendation of ACMG/AMP guideline.

Juno Genomics, Hangzhou Juno Genomics, Inc
Classification: Likely pathogenic for Charcot-Marie-Tooth disease type 4C; Susceptibility to mononeuropathy of the median nerve, mild. Review status: criteria provided, single submitter. Criteria: ACMG Guidelines, 2015. Collection method: clinical testing. Allele origin: germline.
Comment: Null variant in a gene where loss of function (LOF) is a known mechanism of disease.;Absent from controls (or at extremely low frequency if recessive) in Genome Aggregation Database.

Literature cited by the submitters: PubMed 20220177 (cited by Labcorp Genetics (formerly Invitae), Labcorp); PubMed 27068304 (cited by Labcorp Genetics (formerly Invitae), Labcorp).

NM_024577.4(SH3TC2):c.929dup (p.Ser312fs)

Gene: SH3TC2 (SH3 domain and tetratricopeptide repeats 2; minus strand). Cytogenetic location: 5q32.
Variant type: Duplication.
Coding change: c.929dup on transcript NM_024577.4 (MANE Select); coding-DNA position 929, one base duplicated (G; older notation c.929dupG).
Protein change: p.Ser312fs; shifts the reading frame from serine 312.
Molecular consequence: frameshift variant.
Genome position (GRCh38, 1-based): chr5:149,038,367, C duplicated on the plus strand (G on the coding strand, the reverse complement: SH3TC2 is on the minus strand); the first of 2 consecutive C bases (chr5:149,038,367-149,038,368); duplicating either gives the same sequence. VCF-style (leftmost placement, unchanged base first): chr5-149038366-T-TC. GRCh37 (hg19) VCF-style: chr5-148417929-T-TC.
Other names: short protein forms S312fs.
Identifiers: ClinVar variation 1687474 (VCV001687474.4), dbSNP rs2127399983, ClinGen allele CA2573139255.